The following is an entry in ClinVar:

NM_020988.3(GNAO1):c.434G>A (p.Arg145Gln)

Gene: GNAO1 (G protein subunit alpha o1; plus strand). Cytogenetic location: 16q13.
Variant type: single nucleotide variant.
Coding change: c.434G>A on transcript NM_020988.3 (MANE Select); coding-DNA position 434, G replaced by A.
Protein change: p.Arg145Gln; replaces arginine 145 with glutamine.
Molecular consequence: missense variant.
Genome position (GRCh38, 1-based): chr16:56,328,761, G>A. VCF-style: chr16-56328761-G-A. GRCh37 (hg19) VCF-style: chr16-56362673-G-A.
Other names: c.434G>A, p.Arg145Gln (NM_138736.3); short protein forms R145Q.
Identifiers: ClinVar variation 2807287 (VCV002807287.3), dbSNP rs2506858397, ClinGen allele CA395950475.

ClinVar aggregate classification (germline): Uncertain significance (1 of 4 stars; one submission).

Conditions:
Early-infantile DEE. Also called: Early infantile epileptic encephalopathy; Early infantile epileptic encephalopathy with suppression bursts; Ohtahara syndrome. Identifiers: Orphanet 1934, MedGen C0393706, MONDO:0800491.

Allele frequency attached by ClinVar (database versions not stated): gnomAD exomes below 0.00001.
gnomAD v4.1: 2 of 1,614,246 alleles (0.00012%); highest among the groups gnomAD compares: Admixed American, 0.0017%; no homozygotes.

Submission:

Labcorp Genetics (formerly Invitae), Labcorp
Classification: Uncertain significance for Early-infantile DEE. Last evaluated: 2023-01-28. Review status: criteria provided, single submitter. Criteria: Invitae Variant Classification Sherloc (09022015). Collection method: clinical testing. Allele origin: germline.
Comment: In summary, the available evidence is currently insufficient to determine the role of this variant in disease. Therefore, it has been classified as a Variant of Uncertain Significance. Algorithms developed to predict the effect of missense changes on protein structure and function (SIFT, PolyPhen-2, Align-GVGD) all suggest that this variant is likely to be tolerated. This variant has not been reported in the literature in individuals affected with GNAO1-related conditions. This variant is not present in population databases (gnomAD no frequency). This sequence change replaces arginine, which is basic and polar, with glutamine, which is neutral and polar, at codon 145 of the GNAO1 protein (p.Arg145Gln).